The following is an entry in ClinVar:

ClinVar aggregate classification (germline): Uncertain significance (1 of 4 stars; one submission).

Conditions:
Cardiovascular phenotype. Identifiers: MedGen CN230736.

Submission:

Ambry Genetics
Classification: Uncertain significance for Cardiovascular phenotype. Last evaluated: 2019-09-30. Review status: criteria provided, single submitter. Criteria: Ambry Variant Classification Scheme 2023. Collection method: clinical testing. Allele origin: germline.
Comment: The p.P704S variant (also known as c.2110C>T), located in coding exon 12 of the TTN gene, results from a C to T substitution at nucleotide position 2110. The proline at codon 704 is replaced by serine, an amino acid with similar properties. This amino acid position is well conserved in available vertebrate species; however, serine is the reference amino acid in other vertebrate species. In addition, the in silico prediction for this alteration is inconclusive. Since supporting evidence is limited at this time, the clinical significance of this alteration remains unclear.

NM_001267550.2(TTN):c.2248C>T (p.Pro750Ser)

Gene: TTN (titin; minus strand). Cytogenetic location: 2q31.2.
Variant type: single nucleotide variant.
Coding change: c.2248C>T on transcript NM_001267550.2 (MANE Select); coding-DNA position 2248, C replaced by T.
Protein change: p.Pro750Ser; replaces proline 750 with serine.
Molecular consequence: missense variant.
Genome position (GRCh38, 1-based): chr2:178,785,970, G>A on the plus strand (C>T on the coding strand, the complement: TTN is on the minus strand). VCF-style: chr2-178785970-G-A. GRCh37 (hg19) VCF-style: chr2-179650697-G-A.
Other names: c.2248C>T, p.Pro750Ser (NM_001256850.1, NM_133378.4, NM_133379.5); c.2110C>T, p.Pro704Ser (NM_003319.4, NM_133432.3, NM_133437.4); short protein forms P704S, P750S.
Identifiers: ClinVar variation 1786105 (VCV001786105.2), dbSNP rs1273353163, ClinGen allele CA349500611.